The following is an entry in ClinVar:

ClinVar aggregate classification (germline): Uncertain significance (1 of 4 stars; one submission).

Submission:

Ambry Genetics
Classification: Uncertain significance. Last evaluated: 2025-08-22. Review status: criteria provided, single submitter. Criteria: Ambry Variant Classification Scheme 2023. Collection method: clinical testing. Allele origin: germline.
Comment: The p.S735F variant (also known as c.2204C>T), located in coding exon 13 of the GEN1 gene, results from a C to T substitution at nucleotide position 2204. The serine at codon 735 is replaced by phenylalanine, an amino acid with highly dissimilar properties. This amino acid position is conserved. In addition, this alteration is predicted to be tolerated by in silico analysis. Based on the available evidence, the clinical significance of this variant remains unclear.

NM_001130009.3(GEN1):c.2204C>T (p.Ser735Phe)

Gene: GEN1 (GEN1 Holliday junction 5' flap endonuclease; plus strand). Cytogenetic location: 2p24.2.
Variant type: single nucleotide variant.
Coding change: c.2204C>T on transcript NM_001130009.3 (MANE Select); coding-DNA position 2204, C replaced by T.
Protein change: p.Ser735Phe; replaces serine 735 with phenylalanine.
Molecular consequence: missense variant.
Genome position (GRCh38, 1-based): chr2:17,781,416, C>T. VCF-style: chr2-17781416-C-T. GRCh37 (hg19) VCF-style: chr2-17962683-C-T.
Other names: c.2204C>T, p.Ser735Phe (NM_182625.5); short protein forms S735F.
Identifiers: ClinVar variation 4263089 (VCV004263089.1).
Genomic context (GRCh38, chr2:17,781,416, plus strand): 5'-GTACATCACATCTTTCAAAGGATCTTCCAGGAATTCCCTTGCAAAATGAATCCAGAGACT[C>T]TAAAATTCTAAAAGGAGACCAGCTGCTTCAAGAAGACTATAAAGTCAATACTTCTGTCCC-3'
Protein context (NP_001123481.3, residues 725-745): GIPLQNESRD[Ser735Phe]KILKGDQLLQ